The following is an entry in ClinVar:

NM_001035.3(RYR2):c.11360T>C (p.Val3787Ala)

Gene: RYR2 (ryanodine receptor 2; plus strand). Cytogenetic location: 1q43.
Variant type: single nucleotide variant.
Coding change: c.11360T>C on transcript NM_001035.3 (MANE Select); coding-DNA position 11360, T replaced by C.
Protein change: p.Val3787Ala; replaces valine 3787 with alanine.
Molecular consequence: missense variant.
Genome position (GRCh38, 1-based): chr1:237,759,810, T>C. VCF-style: chr1-237759810-T-C. GRCh37 (hg19) VCF-style: chr1-237923110-T-C.
Other names: short protein forms V3787A.
Identifiers: ClinVar variation 3073201 (VCV003073201.1), dbSNP rs1693266671, ClinGen allele CA345428698.
Genomic context (GRCh38, chr1:237,759,810, plus strand): 5'-CCACGTGGTTTCTATAATTCCCATAGAAAATGCTTGACTACCTCAAGGAGAAAAAGGATG[T>C]GGGCTTCTTTCAGAGCCTGGCCGGCCTGATGCAGTCATGTAGGTAAGGACTCACTTCCTT-3'
Protein context (NP_001026.2, residues 3777-3797): MLDYLKEKKD[Val3787Ala]GFFQSLAGLM

ClinVar aggregate classification (germline): Uncertain significance (1 of 4 stars; one submission).

Conditions:
Catecholaminergic polymorphic ventricular tachycardia (CVPT). Also called: Catecholamine-induced polymorphic ventricular tachycardia. Identifiers: Orphanet 3286, MedGen C5574922, MONDO:0017990.

Allele frequency attached by ClinVar (database versions not stated): gnomAD exomes below 0.00001; TOPMed below 0.00001.
gnomAD v4.1: 1 of 1,613,378 alleles (0.000062%); highest among the groups gnomAD compares: Non-Finnish European, 0.000085%; no homozygotes.

Submission:

All of Us Research Program, National Institutes of Health
Classification: Uncertain significance for Catecholaminergic polymorphic ventricular tachycardia. Last evaluated: 2023-08-28. Review status: criteria provided, single submitter. Criteria: ACMG Guidelines, 2015. Collection method: clinical testing. Allele origin: germline. Inheritance: Autosomal dominant inheritance. Observed: 1 variant allele, 1 heterozygote.
Comment: This missense variant replaces valine with alanine at codon 3787 of the RYR2 protein. Computational prediction suggests that this variant may not impact protein structure and function (internally defined REVEL score threshold <= 0.5, PMID: 27666373). To our knowledge, functional studies have not been reported for this variant. This variant has not been reported in individuals affected with RYR2-related disorders in the literature. This variant has not been identified in the general population by the Genome Aggregation Database (gnomAD). The available evidence is insufficient to determine the role of this variant in disease conclusively. Therefore, this variant is classified as a Variant of Uncertain Significance.

This study involves interpretation of variants in research participants for the purpose of population health screening. Participant phenotype was not available at the time of variant classification. Additional details can be found in publication PMID: 35346344, PMCID: PMC8962531